The following is an entry in ClinVar:

ClinVar aggregate classification (germline): Pathogenic (3 of 4 stars; one submission).

Conditions:
Breast-ovarian cancer, familial, susceptibility to, 2 (BROVCA2). Also called: BRCA2 Hereditary Breast and Ovarian Cancer. Identifiers: Orphanet 145, MedGen C2675520, MONDO:0012933, OMIM 612555. Disease mechanism: loss of function.

Submission:

Evidence-based Network for the Interpretation of Germline Mutant Alleles (ENIGMA)
Classification: Pathogenic for Breast-ovarian cancer, familial, susceptibility to, 2. Last evaluated: 2016-09-08. Review status: reviewed by expert panel. Criteria: ENIGMA BRCA1/2 Classification Criteria (2015). Collection method: curation. Allele origin: germline.
Comment: Variant allele predicted to encode a truncated non-functional protein.

NM_000059.4(BRCA2):c.4418del (p.Asn1473fs)

Gene: BRCA2 (BRCA2 DNA repair associated; plus strand). Cytogenetic location: 13q13.1.
Variant type: Deletion.
Coding change: c.4418del on transcript NM_000059.4 (MANE Select); coding-DNA position 4418, one base deleted (A; older notation c.4418delA).
Protein change: p.Asn1473fs; shifts the reading frame from asparagine 1473.
Molecular consequence: frameshift variant.
Genome position (GRCh38, 1-based): chr13:32,338,773, A deleted; the last of 2 consecutive A bases (chr13:32,338,772-32,338,773); deleting either gives the same sequence. VCF-style (leftmost placement, unchanged base first): chr13-32338771-GA-G. GRCh37 (hg19) VCF-style: chr13-32912908-GA-G.
Other names: c.4418delA (NM_000059.3); short protein forms N1473fs.
Identifiers: ClinVar variation 254534 (VCV000254534.2), dbSNP rs886038103, ClinGen allele CA10586522.